The following is an entry in ClinVar:

ClinVar aggregate classification (germline): Benign (0 of 4 stars; one submission).

Conditions:
ATE1-related disorder. Also called: ATE1-related condition.

Allele frequency attached by ClinVar (database versions not stated): ESP Exome Variant Server 0.45648; TOPMed 0.46117; 1000 Genomes Project 30x 0.49953; 1000 Genomes Project 0.50160.
gnomAD v4.1: 732,518 of 1,613,526 alleles (45%); highest among the groups gnomAD compares: East Asian, 55%; 167,379 homozygotes.

Submission:

PreventionGenetics, part of Exact Sciences
Classification: Benign for ATE1-related condition. Last evaluated: 2019-10-17. Review status: no assertion criteria provided. Collection method: clinical testing. Allele origin: germline.
Comment: This variant is classified as benign based on ACMG/AMP sequence variant interpretation guidelines (Richards et al. 2015 PMID: 25741868, with internal and published modifications).

NM_001001976.3(ATE1):c.1371A>C (p.Pro457=)

Gene: ATE1 (arginyltransferase 1; minus strand). Cytogenetic location: 10q26.13.
Variant type: single nucleotide variant.
Coding change: c.1371A>C on transcript NM_001001976.3 (MANE Select); coding-DNA position 1371, A replaced by C.
Protein change: p.Pro457=; no amino-acid change (proline 457 retained).
Molecular consequence: synonymous variant. On other transcripts: non-coding transcript variant (1).
Genome position (GRCh38, 1-based): chr10:121,790,176, T>G on the plus strand (A>C on the coding strand, the complement: ATE1 is on the minus strand). VCF-style: chr10-121790176-T-G. GRCh37 (hg19) VCF-style: chr10-123549691-T-G.
Other names: c.1026A>C, p.Pro342= (NM_001288734.2); c.1083A>C, p.Pro361= (NM_001288735.2); c.1350A>C, p.Pro450= (NM_001288736.2); c.1371A>C, p.Pro457= (NM_007041.4).
Identifiers: ClinVar variation 3060412 (VCV003060412.2), dbSNP rs35350755, ClinGen allele CA5721363.
Genomic context (GRCh38, chr10:121,790,176, plus strand): 5'-GGATCATAAAAACAAAGCCAATGATTTCCAGCTGAGCTCAGCTCCAAACATACCTGCTTC[T>G]GGGTCCTGGTTGAAACGGCAGTACTTGGAGTTTTCAAGTGAAGGCAGGCATTGCTCAATG-3'
Protein context (NP_001001976.1, residues 447-467): NSKYCRFNQD[Pro457=]EAVDEDRSTE